The following is an entry in ClinVar:

ClinVar aggregate classification (germline): Uncertain significance (1 of 4 stars; one submission).

Conditions:
Werner syndrome (WRN). Identifiers: Orphanet 902, MedGen C0043119, MONDO:0010196, OMIM 277700.

Allele frequency attached by ClinVar (database versions not stated): gnomAD exomes 0.00001.
gnomAD v4.1: 3 of 1,612,746 alleles (0.00019%); highest among the groups gnomAD compares: Non-Finnish European, 0.00025%; no homozygotes.

Submission:

Labcorp Genetics (formerly Invitae), Labcorp
Classification: Uncertain significance for Werner syndrome. Last evaluated: 2023-09-21. Review status: criteria provided, single submitter. Criteria: Invitae Variant Classification Sherloc (09022015). Collection method: clinical testing. Allele origin: germline.
Comment: This sequence change replaces isoleucine, which is neutral and non-polar, with methionine, which is neutral and non-polar, at codon 822 of the WRN protein (p.Ile822Met). This variant is not present in population databases (gnomAD no frequency). This variant has not been reported in the literature in individuals affected with WRN-related conditions. ClinVar contains an entry for this variant (Variation ID: 646827). An algorithm developed to predict the effect of missense changes on protein structure and function (PolyPhen-2) suggests that this variant is likely to be disruptive. In summary, the available evidence is currently insufficient to determine the role of this variant in disease. Therefore, it has been classified as a Variant of Uncertain Significance.

NM_000553.6(WRN):c.2466A>G (p.Ile822Met)

Gene: WRN (WRN RecQ like helicase; plus strand). Cytogenetic location: 8p12.
Variant type: single nucleotide variant.
Coding change: c.2466A>G on transcript NM_000553.6 (MANE Select); coding-DNA position 2466, A replaced by G.
Protein change: p.Ile822Met; replaces isoleucine 822 with methionine.
Molecular consequence: missense variant.
Genome position (GRCh38, 1-based): chr8:31,120,260, A>G. VCF-style: chr8-31120260-A-G. GRCh37 (hg19) VCF-style: chr8-30977776-A-G.
Other names: short protein forms I822M.
Identifiers: ClinVar variation 646827 (VCV000646827.4), dbSNP rs1585483085, ClinGen allele CA370915210.